The following is an entry in ClinVar:

ClinVar aggregate classification (germline): Uncertain significance (1 of 4 stars; one submission).

gnomAD v4.1: 1 of 1,613,906 alleles (0.000062%); highest among the groups gnomAD compares: African/African-American, 0.0013%; no homozygotes.

Submission:

Women's Health and Genetics/Laboratory Corporation of America, LabCorp
Classification: Uncertain significance. Last evaluated: 2026-01-27. Review status: criteria provided, single submitter. Criteria: LabCorp Variant Classification Summary - May 2015. Collection method: clinical testing. Allele origin: germline.
Comment: Variant summary: CEP85L c.2151G>T (p.Lys717Asn) results in a non-conservative amino acid change in the encoded protein sequence. Algorithms developed to predict the effect of missense changes on protein structure and function are either unavailable or do not agree on the potential impact of this missense change. The variant was absent in 249118 control chromosomes. The available data on variant occurrences in the general population are insufficient to allow any conclusion about variant significance. To our knowledge, no occurrence of c.2151G>T in individuals affected with CEP85L-related conditions and no experimental evidence demonstrating its impact on protein function have been reported. No submitters have cited clinical-significance assessments for this variant to ClinVar. Based on the evidence outlined above, the variant was classified as uncertain significance.

NM_001042475.3(CEP85L):c.2151G>T (p.Lys717Asn)

Gene: CEP85L (centrosomal protein 85L; minus strand). Cytogenetic location: 6q22.31.
Variant type: single nucleotide variant.
Coding change: c.2151G>T on transcript NM_001042475.3 (MANE Select); coding-DNA position 2151, G replaced by T.
Protein change: p.Lys717Asn; replaces lysine 717 with asparagine.
Molecular consequence: missense variant.
Genome position (GRCh38, 1-based): chr6:118,469,175, C>A on the plus strand (G>T on the coding strand, the complement: CEP85L is on the minus strand). VCF-style: chr6-118469175-C-A. GRCh37 (hg19) VCF-style: chr6-118790338-C-A.
Other names: c.2160G>T, p.Lys720Asn (NM_001178035.2); short protein forms K717N, K720N.
Identifiers: ClinVar variation 4689386 (VCV004689386.1).